The following is an entry in ClinVar:

ClinVar aggregate classification (germline): Pathogenic (1 of 4 stars; one submission).

Conditions:
Dilated cardiomyopathy 1O (CMD1O). Also called: CARDIOMYOPATHY, DILATED, WITH VENTRICULAR TACHYCARDIA. Identifiers: Orphanet 154, MedGen C1837839, MONDO:0012062, OMIM 608569.

Submission:

Labcorp Genetics (formerly Invitae), Labcorp
Classification: Pathogenic for Dilated cardiomyopathy 1O. Last evaluated: 2026-01-05. Review status: criteria provided, single submitter. Criteria: Invitae Variant Classification Sherloc (09022015). Collection method: clinical testing. Allele origin: germline.
Comment: This sequence change creates a premature translational stop signal (p.Asn1283Lysfs*11) in the ABCC9 gene. It is expected to result in an absent or disrupted protein product. Loss-of-function variants in ABCC9 are known to be pathogenic (PMID: 31575858, 38217872). This variant is not present in population databases (gnomAD no frequency). This variant has not been reported in the literature in individuals affected with ABCC9-related conditions. ClinVar contains an entry for this variant (Variation ID: 3689837). Algorithms developed to predict the effect of sequence changes on RNA splicing suggest that this variant may disrupt the consensus splice site. For these reasons, this variant has been classified as Pathogenic.

Literature cited by the submitters: PubMed 31575858; PubMed 38217872.

NM_020297.4(ABCC9):c.3849_3850del (p.Asn1283fs)

Genes: ABCC9 (ATP binding cassette subfamily C member 9; minus strand), KCNJ8-AS1 (KCNJ8 antisense RNA 1; plus strand). Cytogenetic location: 12p12.1.
Variant type: Deletion.
Coding change: c.3849_3850del on transcript NM_020297.4 (MANE Select); coding-DNA positions 3849 to 3850, 2 bases deleted (CA; older notation c.3849_3850delCA).
Protein change: p.Asn1283fs; shifts the reading frame from asparagine 1283.
Molecular consequence: frameshift variant.
Genome position (GRCh38, 1-based): chr12:21,817,229-21,817,230, TG deleted on the plus strand (CA on the coding strand, the reverse complement: ABCC9 is on the minus strand); deleting any 2 consecutive bases within chr12:21,817,229-21,817,231 gives the same sequence; the c. name uses the placement nearest the transcript's 3' end. VCF-style (leftmost placement, unchanged base first): chr12-21817228-CTG-C. GRCh37 (hg19) VCF-style: chr12-21970162-CTG-C.
Other names: c.3849_3850del, p.Asn1283fs (NM_001377273.1, NM_005691.4); c.2982_2983del, p.Asn994fs (NM_001377274.1); short protein forms N994fs, N1283fs.
Identifiers: ClinVar variation 3689837 (VCV003689837.2).
Genomic context (GRCh38, chr12:21,817,228, plus strand): 5'-ACAATATTTAGAGCAATACCCATTGTGCCTTCATAGTTCTCTGACTCCATAGTCAGGAAA[CTG>C]TTCACCTTCTTCACTGCACCCATCTGGACCTCCAGGTCAGCCAAGTTCCTCACAACCCAA-3'